The following is an entry in ClinVar:

NM_000548.5(TSC2):c.2322C>T (p.Ile774=)

Gene: TSC2 (TSC complex subunit 2; plus strand). Cytogenetic location: 16p13.3.
Variant type: single nucleotide variant.
Coding change: c.2322C>T on transcript NM_000548.5 (MANE Select); coding-DNA position 2322, C replaced by T.
Protein change: p.Ile774=; no amino-acid change (isoleucine 774 retained).
Molecular consequence: synonymous variant.
Genome position (GRCh38, 1-based): chr16:2,072,950, C>T. VCF-style: chr16-2072950-C-T. GRCh37 (hg19) VCF-style: chr16-2122951-C-T.
Other names: c.2322C>T, p.Ile774= (NM_001077183.3, NM_001114382.3, NM_001363528.2 and 3 more transcripts); c.2211C>T, p.Ile737= (NM_001318827.2); c.2175C>T, p.Ile725= (NM_001318829.2); c.1722C>T, p.Ile574= (NM_001318831.2); c.2355C>T, p.Ile785= (NM_001318832.2).
Identifiers: ClinVar variation 185059 (VCV000185059.22), dbSNP rs760885994, ClinGen allele CA017184.

ClinVar aggregate classification (germline): Benign/Likely benign. Review status: criteria provided, multiple submitters, no conflicts (2 of 4 stars). 6 submissions from 6 submitters: Benign (3); Likely benign (3). Last evaluated 2025-12-24.

Conditions:
Hereditary cancer-predisposing syndrome. Also called: Tumor predisposition; Hereditary Cancer Syndrome; Hereditary neoplastic syndrome; Neoplastic Syndromes, Hereditary. Identifiers: Orphanet 140162, MedGen C0027672, MeSH D009386, MONDO:0015356.
Tuberous sclerosis syndrome (TSC). Also called: Tuberous Sclerosis Complex; Tuberous sclerosis. Identifiers: Orphanet 805, MedGen C0041341, MONDO:0001734.
Tuberous sclerosis 2 (TSC2). Identifiers: Orphanet 805, MedGen C1860707, MONDO:0013199, OMIM 613254.

Allele frequency attached by ClinVar (database versions not stated): gnomAD exomes below 0.00001; gnomAD 0.00001; TOPMed 0.00001; ExAC 0.00002.
gnomAD v4.1: 13 of 1,613,498 alleles (0.00081%); highest among the groups gnomAD compares: Admixed American, 0.0033%; no homozygotes.

Submissions (6):

Labcorp Genetics (formerly Invitae), Labcorp
Classification: Likely benign for Tuberous sclerosis 2. Last evaluated: 2025-12-24. Review status: criteria provided, single submitter. Criteria: Invitae Variant Classification Sherloc (09022015). Collection method: clinical testing. Allele origin: germline.

Myriad Genetics, Inc.
Classification: Benign for Tuberous sclerosis 2. Last evaluated: 2025-05-19. Review status: criteria provided, single submitter. Criteria: Myriad Autosomal Dominant, Autosomal Recessive and X-Linked Classification Criteria (2023). Collection method: clinical testing. Allele origin: unknown.
Comment: This variant is considered benign. This variant is a silent/synonymous amino acid change and it is not expected to impact splicing.

Color Diagnostics, LLC DBA Color Health
Classification: Likely benign for Tuberous sclerosis syndrome. Last evaluated: 2022-09-26. Review status: criteria provided, single submitter. Criteria: ACMG Guidelines, 2015. Collection method: clinical testing. Allele origin: germline.

Genome-Nilou Lab
Classification: Benign for Tuberous sclerosis 2. Last evaluated: 2021-11-07. Review status: criteria provided, single submitter. Criteria: ACMG Guidelines, 2015. Collection method: clinical testing. Allele origin: germline. Affected: no.

Ambry Genetics
Classification: Likely benign for Hereditary cancer-predisposing syndrome. Last evaluated: 2017-03-15. Review status: criteria provided, single submitter. Criteria: Ambry Variant Classification Scheme 2023. Collection method: clinical testing. Allele origin: germline.

GeneDx
Classification: Benign. Last evaluated: 2015-03-03. Review status: criteria provided, single submitter. Criteria: GeneDx Variant Classification Process June 2021. Collection method: clinical testing. Allele origin: germline. Affected: yes.